The following is an entry in ClinVar:

NM_020759.3(STARD9):c.13241G>A (p.Ser4414Asn)

Gene: STARD9 (StAR related lipid transfer domain containing 9; plus strand). Cytogenetic location: 15q15.2.
Variant type: single nucleotide variant.
Coding change: c.13241G>A on transcript NM_020759.3 (MANE Select); coding-DNA position 13241, G replaced by A.
Protein change: p.Ser4414Asn; replaces serine 4414 with asparagine.
Molecular consequence: missense variant.
Genome position (GRCh38, 1-based): chr15:42,695,837, G>A. VCF-style: chr15-42695837-G-A. GRCh37 (hg19) VCF-style: chr15-42988035-G-A.
Other names: short protein forms S4414N.
Identifiers: ClinVar variation 3043573 (VCV003043573.3), dbSNP rs181154175, ClinGen allele CA7514968.
Genomic context (GRCh38, chr15:42,695,837, plus strand): 5'-GCTCCCTGTGCACCAGCTCTAATGGAAGCCTCTCGTCTGGCATGACCTCTGGCTATAATA[G>A]CAGCCCAGCCTTGTCAGGCCAGCTCCAGTTCCCAGAGAATATGGTGAGTAGGCAGATGTT-3'
Protein context (NP_065810.2, residues 4404-4424): LSSGMTSGYN[Ser4414Asn]SPALSGQLQF

ClinVar aggregate classification (germline): Uncertain significance. Review status: criteria provided, single submitter (1 of 4 stars). 2 submissions from 2 submitters: Uncertain significance (1). 1 of the submissions does not count toward it. Last evaluated 2025-08-03.

Conditions:
STARD9-related disorder. Also called: STARD9-related condition.

Allele frequency attached by ClinVar (database versions not stated): gnomAD exomes 0.00024; ExAC 0.00069; 1000 Genomes Project 0.00220; gnomAD 0.00240; TOPMed 0.00253; 1000 Genomes Project 30x 0.00281.
gnomAD v4.1: 710 of 1,537,214 alleles (0.046%); highest among the groups gnomAD compares: African/African-American, 0.9%; 3 homozygotes.

Submissions (2):

Ambry Genetics
Classification: Uncertain significance. Last evaluated: 2025-08-03. Review status: criteria provided, single submitter. Criteria: Ambry Variant Classification Scheme 2023. Collection method: clinical testing. Allele origin: germline.

PreventionGenetics, part of Exact Sciences
Classification: Benign for STARD9-related condition. Last evaluated: 2019-06-21. Review status: no assertion criteria provided. Collection method: clinical testing. Allele origin: germline. Not counted in ClinVar's aggregate classification.
Comment: This variant is classified as benign based on ACMG/AMP sequence variant interpretation guidelines (Richards et al. 2015 PMID: 25741868, with internal and published modifications).